The following is an entry in ClinVar:

ClinVar aggregate classification (germline): Uncertain significance. Review status: criteria provided, multiple submitters, no conflicts (2 of 4 stars). 3 submissions from 3 submitters: Uncertain significance (3). Last evaluated 2025-06-09.

Conditions:
Short-rib thoracic dysplasia 13 with or without polydactyly (SRTD13). Identifiers: Orphanet 474, MedGen C4225378, MONDO:0014577, OMIM 616300.
Inborn genetic diseases. Identifiers: MedGen C0950123, MeSH D030342.

Submissions (3):

GeneDx
Classification: Uncertain significance. Last evaluated: 2025-06-09. Review status: criteria provided, single submitter. Criteria: GeneDx Variant Classification Process June 2021. Collection method: clinical testing. Allele origin: germline. Affected: yes.
Comment: Not observed at significant frequency in large population cohorts (gnomAD); In silico analysis supports that this missense variant has a deleterious effect on protein structure/function; Has not been previously published as pathogenic or benign to our knowledge

Labcorp Genetics (formerly Invitae), Labcorp
Classification: Uncertain significance for Short-rib thoracic dysplasia 13 with or without polydactyly. Last evaluated: 2021-12-29. Review status: criteria provided, single submitter. Criteria: Invitae Variant Classification Sherloc (09022015). Collection method: clinical testing. Allele origin: germline.
Comment: This sequence change replaces glycine, which is neutral and non-polar, with aspartic acid, which is acidic and polar, at codon 93 of the CEP120 protein (p.Gly93Asp). This variant is not present in population databases (gnomAD no frequency). In summary, the available evidence is currently insufficient to determine the role of this variant in disease. Therefore, it has been classified as a Variant of Uncertain Significance. Algorithms developed to predict the effect of missense changes on protein structure and function are either unavailable or do not agree on the potential impact of this missense change (SIFT: "Deleterious"; PolyPhen-2: "Probably Damaging"; Align-GVGD: "Class C0"). ClinVar contains an entry for this variant (Variation ID: 476165). This variant has not been reported in the literature in individuals affected with CEP120-related conditions.

Ambry Genetics
Classification: Uncertain significance for Inborn genetic diseases. Last evaluated: 2021-09-16. Review status: criteria provided, single submitter. Criteria: Ambry Variant Classification Scheme 2023. Collection method: clinical testing. Allele origin: germline.

NM_001375405.1(CEP120):c.278G>A (p.Gly93Asp)

Gene: CEP120 (centrosomal protein 120; minus strand). Cytogenetic location: 5q23.2.
Variant type: single nucleotide variant.
Coding change: c.278G>A on transcript NM_001375405.1 (MANE Select); coding-DNA position 278, G replaced by A.
Protein change: p.Gly93Asp; replaces glycine 93 with aspartic acid.
Molecular consequence: missense variant. On other transcripts: 5 prime UTR variant (2), non-coding transcript variant (1).
Genome position (GRCh38, 1-based): chr5:123,416,053, C>T on the plus strand (G>A on the coding strand, the complement: CEP120 is on the minus strand). VCF-style: chr5-123416053-C-T. GRCh37 (hg19) VCF-style: chr5-122751747-C-T.
Other names: c.200G>A, p.Gly67Asp (NM_001166226.2); c.278G>A, p.Gly93Asp (NM_001375406.1, NM_001375407.1, NM_153223.4); c.-471G>A (NM_001375408.1); c.-413G>A (NM_001375409.1); short protein forms G93D, G67D.
Identifiers: ClinVar variation 476165 (VCV000476165.8), dbSNP rs1554106320, ClinGen allele CA360896271.